The following is an entry in ClinVar:

ClinVar aggregate classification (germline): Uncertain significance. Review status: criteria provided, multiple submitters, no conflicts (2 of 4 stars). 3 submissions from 3 submitters: Uncertain significance (3). Last evaluated 2024-07-14.

Conditions:
Cardiomyopathy (CMYO). Also called: Cardiomyopathies. Identifiers: Orphanet 167848, MedGen C0878544, MONDO:0004994, HP:0001638. Inheritance: Various modes of inheritance.
Arrhythmogenic right ventricular dysplasia 5. Also called: Arrhythmogenic Right Ventricular Dysplasia/Cardiomyopathy 5; ARRHYTHMOGENIC RIGHT VENTRICULAR DYSPLASIA, FAMILIAL, 5. Identifiers: MedGen C1858379, MONDO:0011459, OMIM 604400.

Allele frequency attached by ClinVar (database versions not stated): gnomAD exomes below 0.00001; gnomAD 0.00001; TOPMed 0.00002.

Submissions (3):

Labcorp Genetics (formerly Invitae), Labcorp
Classification: Uncertain significance for Arrhythmogenic right ventricular dysplasia 5. Last evaluated: 2024-07-14. Review status: criteria provided, single submitter. Criteria: Invitae Variant Classification Sherloc (09022015). Collection method: clinical testing. Allele origin: germline.
Comment: This sequence change creates a premature translational stop signal (p.Pro23Alafs*32) in the TMEM43 gene. It is expected to result in an absent or disrupted protein product. However, the current clinical and genetic evidence is not sufficient to establish whether loss-of-function variants in TMEM43 cause disease. This variant is not present in population databases (gnomAD no frequency). This variant has not been reported in the literature in individuals affected with TMEM43-related conditions. ClinVar contains an entry for this variant (Variation ID: 466422). Experimental studies and prediction algorithms are not available or were not evaluated, and the functional significance of this variant is currently unknown. In summary, the available evidence is currently insufficient to determine the role of this variant in disease. Therefore, it has been classified as a Variant of Uncertain Significance.

Color Diagnostics, LLC DBA Color Health
Classification: Uncertain significance for Cardiomyopathy. Last evaluated: 2023-11-07. Review status: criteria provided, single submitter. Criteria: ACMG Guidelines, 2015. Collection method: clinical testing. Allele origin: germline.
Comment: This variant causes duplication of 1 nucleotide in exon 2 of the TMEM43 gene, creating a frameshift and premature translation stop signal. This variant is expected to result in an absent or non-functional protein product. To our knowledge, this variant has not been reported in individuals affected with TMEM43-related disorders in the literature. This variant has not been identified in the general population by the Genome Aggregation Database (gnomAD). The available evidence is insufficient to determine the role of this variant in disease conclusively. Therefore, this variant is classified as a Variant of Uncertain Significance.

GeneDx
Classification: Uncertain significance. Last evaluated: 2023-08-30. Review status: criteria provided, single submitter. Criteria: GeneDx Variant Classification Process June 2021. Collection method: clinical testing. Allele origin: germline. Affected: yes.
Comment: Not observed at significant frequency in large population cohorts (gnomAD); Frameshift variant predicted to result in protein truncation or nonsense mediated decay in a gene or region of a gene for which loss of function is not a well-established mechanism of disease; Has not been previously published as pathogenic or benign to our knowledge

NM_024334.3(TMEM43):c.65dup (p.Pro23fs)

Gene: TMEM43 (transmembrane protein 43; plus strand). Cytogenetic location: 3p25.1.
Variant type: Duplication.
Coding change: c.65dup on transcript NM_024334.3 (MANE Select); coding-DNA position 65, one base duplicated (A; older notation c.65dupA).
Protein change: p.Pro23fs; shifts the reading frame from proline 23.
Molecular consequence: frameshift variant.
Genome position (GRCh38, 1-based): chr3:14,129,464, A duplicated. VCF-style (leftmost placement, unchanged base first): chr3-14129463-C-CA. GRCh37 (hg19) VCF-style: chr3-14170963-C-CA.
Other names: c.65dupA (NM_024334.2); c.65dup (NM_024334.2); short protein forms P23fs.
Identifiers: ClinVar variation 466422 (VCV000466422.8), dbSNP rs1300909566, ClinGen allele CA658657274.